The following is an entry in ClinVar:

NM_001354768.3(NRL):c.589C>T (p.Gln197Ter)

Genes: NRL (neural retina leucine zipper; minus strand), LOC130055387 (ATAC-STARR-seq lymphoblastoid silent region 5620; plus strand). Cytogenetic location: 14q11.2.
Variant type: single nucleotide variant.
Coding change: c.589C>T on transcript NM_001354768.3 (MANE Select); coding-DNA position 589, C replaced by T.
Protein change: p.Gln197Ter; replaces glutamine 197 with a stop codon.
Molecular consequence: nonsense.
Genome position (GRCh38, 1-based): chr14:24,081,361, G>A on the plus strand (C>T on the coding strand, the complement: NRL is on the minus strand). VCF-style: chr14-24081361-G-A. GRCh37 (hg19) VCF-style: chr14-24550570-G-A.
Other names: c.589C>T, p.Gln197Ter (NM_001354769.1, NM_006177.5); c.274C>T, p.Gln92Ter (NM_001354770.2); short protein forms Q92*, Q197*.
Identifiers: ClinVar variation 944408 (VCV000944408.10), dbSNP rs1182598654, ClinGen allele CA389277193.

ClinVar aggregate classification (germline): Pathogenic (1 of 4 stars; one submission).

Allele frequency attached by ClinVar (database versions not stated): gnomAD exomes 0.00002; TOPMed 0.00002.
gnomAD v4.1: 28 of 1,449,510 alleles (0.0019%); highest among the groups gnomAD compares: Non-Finnish European, 0.0025%; no homozygotes.

Submission:

Labcorp Genetics (formerly Invitae), Labcorp
Classification: Pathogenic. Last evaluated: 2025-09-09. Review status: criteria provided, single submitter. Criteria: Invitae Variant Classification Sherloc (09022015). Collection method: clinical testing. Allele origin: germline.
Comment: This sequence change creates a premature translational stop signal (p.Gln197*) in the NRL gene. While this is not anticipated to result in nonsense mediated decay, it is expected to disrupt the last 41 amino acid(s) of the NRL protein. This variant is not present in population databases (gnomAD no frequency). This variant has not been reported in the literature in individuals affected with NRL-related conditions. ClinVar contains an entry for this variant (Variation ID: 944408). This variant disrupts a region of the NRL protein in which other variant(s) (p.Cys219Valfs*4) have been determined to be pathogenic (PMID: 17335001, 22334370, 29385733). This suggests that this is a clinically significant region of the protein, and that variants that disrupt it are likely to be disease-causing. For these reasons, this variant has been classified as Pathogenic.

Literature cited by the submitters: PubMed 17335001; PubMed 22334370; PubMed 29385733.